The following is an entry in ClinVar:

NM_006031.6(PCNT):c.607C>T (p.His203Tyr)

Gene: PCNT (pericentrin; plus strand). Cytogenetic location: 21q22.3.
Variant type: single nucleotide variant.
Coding change: c.607C>T on transcript NM_006031.6 (MANE Select); coding-DNA position 607, C replaced by T.
Protein change: p.His203Tyr; replaces histidine 203 with tyrosine.
Molecular consequence: missense variant.
Genome position (GRCh38, 1-based): chr21:46,334,736, C>T. VCF-style: chr21-46334736-C-T. GRCh37 (hg19) VCF-style: chr21-47754650-C-T.
Other names: c.253C>T, p.His85Tyr (NM_001315529.2); short protein forms H203Y, H85Y.
Identifiers: ClinVar variation 3353268 (VCV003353268.1).

ClinVar aggregate classification (germline): Uncertain significance (0 of 4 stars; one submission).

Conditions:
PCNT-related disorder. Also called: PCNT-related condition.

gnomAD v4.1: 5 of 1,614,002 alleles (0.00031%); highest among the groups gnomAD compares: African/African-American, 0.0027%; no homozygotes.

Submission:

PreventionGenetics, part of Exact Sciences
Classification: Uncertain significance for PCNT-related condition. Last evaluated: 2024-04-18. Review status: no assertion criteria provided. Collection method: clinical testing. Allele origin: germline.
Comment: The PCNT c.607C>T variant is predicted to result in the amino acid substitution p.His203Tyr. To our knowledge, this variant has not been reported in the literature. This variant is reported in 0.0062% of alleles in individuals of African descent in gnomAD. At this time, the clinical significance of this variant is uncertain due to the absence of conclusive functional and genetic evidence.